The following is an entry in ClinVar:

NM_014795.4(ZEB2):c.3298C>T (p.His1100Tyr)

Gene: ZEB2 (zinc finger E-box binding homeobox 2; minus strand). Cytogenetic location: 2q22.3.
Variant type: single nucleotide variant.
Coding change: c.3298C>T on transcript NM_014795.4 (MANE Select); coding-DNA position 3298, C replaced by T.
Protein change: p.His1100Tyr; replaces histidine 1100 with tyrosine.
Molecular consequence: missense variant.
Genome position (GRCh38, 1-based): chr2:144,389,798, G>A on the plus strand (C>T on the coding strand, the complement: ZEB2 is on the minus strand). VCF-style: chr2-144389798-G-A. GRCh37 (hg19) VCF-style: chr2-145147365-G-A.
Other names: c.3226C>T, p.His1076Tyr (NM_001171653.2); short protein forms H1100Y, H1076Y.
Identifiers: ClinVar variation 645103 (VCV000645103.8), dbSNP rs1573707949, ClinGen allele CA348699784.

ClinVar aggregate classification (germline): Uncertain significance (1 of 4 stars; one submission).

Conditions:
Mowat-Wilson syndrome (MOWS). Also called: Classic Mowat-Wilson Syndrome. Identifiers: Orphanet 2152, MedGen C1856113, MONDO:0009341, OMIM 235730.

Submission:

Labcorp Genetics (formerly Invitae), Labcorp
Classification: Uncertain significance for Mowat-Wilson syndrome. Last evaluated: 2018-11-03. Review status: criteria provided, single submitter. Criteria: Invitae Variant Classification Sherloc (09022015). Collection method: clinical testing. Allele origin: germline.
Comment: In summary, the available evidence is currently insufficient to determine the role of this variant in disease. Therefore, it has been classified as a Variant of Uncertain Significance. Algorithms developed to predict the effect of sequence changes on RNA splicing suggest that this variant may create or strengthen a splice site, but this prediction has not been confirmed by published transcriptional studies. This sequence change replaces histidine with tyrosine at codon 1100 of the ZEB2 protein (p.His1100Tyr). The histidine residue is highly conserved and there is a moderate physicochemical difference between histidine and tyrosine. This variant is not present in population databases (ExAC no frequency). This variant has not been reported in the literature in individuals with ZEB2-related disease. Algorithms developed to predict the effect of missense changes on protein structure and function are either unavailable or do not agree on the potential impact of this missense change (SIFT: "Deleterious"; PolyPhen-2: "Possibly Damaging"; Align-GVGD: "Class C0").